The following is an entry in ClinVar:

NM_000441.2(SLC26A4):c.2204C>G (p.Ser735Cys)

Gene: SLC26A4 (solute carrier family 26 member 4; plus strand). Cytogenetic location: 7q22.3.
Variant type: single nucleotide variant.
Coding change: c.2204C>G on transcript NM_000441.2 (MANE Select); coding-DNA position 2204, C replaced by G.
Protein change: p.Ser735Cys; replaces serine 735 with cysteine.
Molecular consequence: missense variant.
Genome position (GRCh38, 1-based): chr7:107,710,168, C>G. VCF-style: chr7-107710168-C-G. GRCh37 (hg19) VCF-style: chr7-107350613-C-G.
Other names: short protein forms S735C.
Identifiers: ClinVar variation 1524151 (VCV001524151.3), dbSNP rs1167637808, ClinGen allele CA368846045.

ClinVar aggregate classification (germline): Uncertain significance (1 of 4 stars; one submission).

Submission:

Labcorp Genetics (formerly Invitae), Labcorp
Classification: Uncertain significance. Last evaluated: 2022-03-09. Review status: criteria provided, single submitter. Criteria: Invitae Variant Classification Sherloc (09022015). Collection method: clinical testing. Allele origin: germline.
Comment: This sequence change replaces serine, which is neutral and polar, with cysteine, which is neutral and slightly polar, at codon 735 of the SLC26A4 protein (p.Ser735Cys). This variant is not present in population databases (gnomAD no frequency). This variant has not been reported in the literature in individuals affected with SLC26A4-related conditions. Advanced modeling of protein sequence and biophysical properties (such as structural, functional, and spatial information, amino acid conservation, physicochemical variation, residue mobility, and thermodynamic stability) performed at Invitae indicates that this missense variant is not expected to disrupt SLC26A4 protein function. In summary, the available evidence is currently insufficient to determine the role of this variant in disease. Therefore, it has been classified as a Variant of Uncertain Significance.